The following is an entry in ClinVar:

ClinVar aggregate classification (germline): Uncertain significance (1 of 4 stars; one submission).

Conditions:
Familial thoracic aortic aneurysm and aortic dissection (TAAD). Also called: Thoracic aortic aneurysms and dissections. Identifiers: Orphanet 91387, MedGen C4707243, MONDO:0019625.

Submission:

Labcorp Genetics (formerly Invitae), Labcorp
Classification: Uncertain significance for Familial thoracic aortic aneurysm and aortic dissection. Last evaluated: 2025-08-11. Review status: criteria provided, single submitter. Criteria: Invitae Variant Classification Sherloc (09022015). Collection method: clinical testing. Allele origin: germline.
Comment: This sequence change replaces glycine, which is neutral and non-polar, with serine, which is neutral and polar, at codon 212 of the TGFBR1 protein (p.Gly212Ser). This variant is not present in population databases (gnomAD no frequency). This variant has not been reported in the literature in individuals affected with TGFBR1-related conditions. ClinVar contains an entry for this variant (Variation ID: 1719873). Invitae Evidence Modeling of protein sequence and biophysical properties (such as structural, functional, and spatial information, amino acid conservation, physicochemical variation, residue mobility, and thermodynamic stability) indicates that this missense variant is expected to disrupt TGFBR1 protein function with a positive predictive value of 80%. In summary, the available evidence is currently insufficient to determine the role of this variant in disease. Therefore, it has been classified as a Variant of Uncertain Significance.

NM_004612.4(TGFBR1):c.634G>A (p.Gly212Ser)

Gene: TGFBR1 (transforming growth factor beta receptor 1; plus strand). Cytogenetic location: 9q22.33.
Variant type: single nucleotide variant.
Coding change: c.634G>A on transcript NM_004612.4 (MANE Select); coding-DNA position 634, G replaced by A.
Protein change: p.Gly212Ser; replaces glycine 212 with serine.
Molecular consequence: missense variant.
Genome position (GRCh38, 1-based): chr9:99,137,918, G>A. VCF-style: chr9-99137918-G-A. GRCh37 (hg19) VCF-style: chr9-101900200-G-A.
Other names: c.403G>A, p.Gly135Ser (NM_001130916.3); c.646G>A, p.Gly216Ser (NM_001306210.2, NM_001407416.1); c.634G>A, p.Gly212Ser (NM_001407417.1); c.439G>A, p.Gly147Ser (NM_001407418.1, NM_001407419.1, NM_001407420.1 and 1 more transcripts); c.427G>A, p.Gly143Ser (NM_001407423.1, NM_001407424.1, NM_001407425.1 and 8 more transcripts); c.388G>A, p.Gly130Ser (NM_001407436.1); c.157G>A, p.Gly53Ser (NM_001407438.1); short protein forms G143S, G147S, G212S, G216S, G53S, G130S, G135S.
Identifiers: ClinVar variation 1719873 (VCV001719873.6), dbSNP rs2118711086, ClinGen allele CA374229510.
Genomic context (GRCh38, chr9:99,137,918, plus strand): 5'-GGTTTACCATTGCTTGTTCAGAGAACAATTGCGAGAACTATTGTGTTACAAGAAAGCATT[G>A]GCAAAGGTCGATTTGGAGAAGTTTGGAGAGGAAAGTGGCGGGGAGAAGAAGTTGCTGTTA-3'
Protein context (NP_004603.1, residues 202-222): ARTIVLQESI[Gly212Ser]KGRFGEVWRG